The following is an entry in ClinVar:

ClinVar aggregate classification (germline): Uncertain significance (1 of 4 stars; one submission).

Submission:

Labcorp Genetics (formerly Invitae), Labcorp
Classification: Uncertain significance. Last evaluated: 2023-03-08. Review status: criteria provided, single submitter. Criteria: Invitae Variant Classification Sherloc (09022015). Collection method: clinical testing. Allele origin: germline.
Comment: This variant, c.1695_1703dup, results in the insertion of 3 amino acid(s) of the KMT2A protein (p.Leu566_Pro568dup), but otherwise preserves the integrity of the reading frame. This variant is not present in population databases (gnomAD no frequency). This variant has not been reported in the literature in individuals affected with KMT2A-related conditions. In summary, the available evidence is currently insufficient to determine the role of this variant in disease. Therefore, it has been classified as a Variant of Uncertain Significance.

NM_001197104.2(KMT2A):c.1695_1703dup (p.Pro568_Pro569insLeuThrPro)

Gene: KMT2A (lysine methyltransferase 2A; plus strand). Cytogenetic location: 11q23.3.
Variant type: Duplication.
Coding change: c.1695_1703dup on transcript NM_001197104.2 (MANE Select); coding-DNA positions 1695 to 1703, 9 bases duplicated (GCTGACTCC; older notation c.1695_1703dupGCTGACTCC).
Protein change: p.Pro568_Pro569insLeuThrPro.
Molecular consequence: inframe insertion.
Genome position (GRCh38, 1-based): chr11:118,472,854-118,472,862, GCTGACTCC duplicated. VCF-style (leftmost placement, unchanged base first): chr11-118472853-T-TGCTGACTCC. GRCh37 (hg19) VCF-style: chr11-118343568-T-TGCTGACTCC.
Other names: c.1794_1802dup, p.Pro601_Pro602insLeuThrPro (NM_001412597.1); c.1695_1703dup, p.Pro568_Pro569insLeuThrPro (NM_005933.4).
Identifiers: ClinVar variation 2844287 (VCV002844287.3), dbSNP rs2496802845, ClinGen allele CA2739271698.